The following is an entry in ClinVar:

ClinVar aggregate classification (germline): Uncertain significance (1 of 4 stars; one submission).

gnomAD v4.1: 1 of 1,613,942 alleles (0.000062%); highest among the groups gnomAD compares: Non-Finnish European, 0.000085%; no homozygotes.

Submissions (2):

GeneDx
Classification: Uncertain significance. Last evaluated: 2024-07-30. Review status: criteria provided, single submitter. Criteria: GeneDx Variant Classification Process June 2021. Collection method: clinical testing. Allele origin: germline. Affected: yes.
Comment: Not observed at significant frequency in large population cohorts (gnomAD); In silico analysis supports a deleterious effect on splicing; Has not been previously published as pathogenic or benign to our knowledge

Dr. Peter K. Rogan Lab, Western University
No classification provided (evidence only). Condition: Lung cancer. Review status: no classification provided. Collection method: in vitro. Allele origin: not applicable. Functional consequence: retained intron. Not counted in ClinVar's aggregate classification.

NM_015354.3(NUP188):c.3660A>G (p.Lys1220=)

Gene: NUP188 (nucleoporin 188; plus strand). Cytogenetic location: 9q34.11.
Variant type: single nucleotide variant.
Coding change: c.3660A>G on transcript NM_015354.3 (MANE Select); coding-DNA position 3660, A replaced by G.
Protein change: p.Lys1220=; no amino-acid change (lysine 1220 retained).
Molecular consequence: synonymous variant.
Genome position (GRCh38, 1-based): chr9:128,999,316, A>G. VCF-style: chr9-128999316-A-G. GRCh37 (hg19) VCF-style: chr9-131761595-A-G.
Other names: NC_000009.11:g.131761595A>G.
Identifiers: ClinVar variation 3602386 (VCV003602386.2).